The following is an entry in ClinVar:

NM_177438.3(DICER1):c.3691C>T (p.Pro1231Ser)

Gene: DICER1 (dicer 1, ribonuclease III; minus strand). Cytogenetic location: 14q32.13.
Variant type: single nucleotide variant.
Coding change: c.3691C>T on transcript NM_177438.3 (MANE Select); coding-DNA position 3691, C replaced by T.
Protein change: p.Pro1231Ser; replaces proline 1231 with serine.
Molecular consequence: missense variant. On other transcripts: non-coding transcript variant (6).
Genome position (GRCh38, 1-based): chr14:95,103,705, G>A on the plus strand (C>T on the coding strand, the complement: DICER1 is on the minus strand). VCF-style: chr14-95103705-G-A. GRCh37 (hg19) VCF-style: chr14-95570042-G-A.
Other names: c.3691C>T, p.Pro1231Ser (NM_001195573.1, NM_001271282.3, NM_001291628.2 and 12 more transcripts); c.3409C>T, p.Pro1137Ser (NM_001395686.1); c.3286C>T, p.Pro1096Ser (NM_001395687.1, NM_001395688.1, NM_001395689.1 and 2 more transcripts); c.3124C>T, p.Pro1042Ser (NM_001395691.1); c.2008C>T, p.Pro670Ser (NM_001395697.1); short protein forms P1042S, P1096S, P1231S, P670S, P1137S.
Identifiers: ClinVar variation 3637301 (VCV003637301.2).

ClinVar aggregate classification (germline): Uncertain significance (1 of 4 stars; one submission).

Conditions:
DICER1-related tumor predisposition. Also called: DICER1-related pleuropulmonary blastoma cancer predisposition syndrome; DICER1 syndrome. Identifiers: Orphanet 284343, MedGen C3839822, MONDO:0100216.

Submission:

Labcorp Genetics (formerly Invitae), Labcorp
Classification: Uncertain significance for DICER1-related tumor predisposition. Last evaluated: 2024-01-28. Review status: criteria provided, single submitter. Criteria: Invitae Variant Classification Sherloc (09022015). Collection method: clinical testing. Allele origin: germline.
Comment: This sequence change replaces proline, which is neutral and non-polar, with serine, which is neutral and polar, at codon 1231 of the DICER1 protein (p.Pro1231Ser). This variant is not present in population databases (gnomAD no frequency). This variant has not been reported in the literature in individuals affected with DICER1-related conditions. An algorithm developed to predict the effect of missense changes on protein structure and function (PolyPhen-2) suggests that this variant is likely to be tolerated. In summary, the available evidence is currently insufficient to determine the role of this variant in disease. Therefore, it has been classified as a Variant of Uncertain Significance.